The following is an entry in ClinVar:

ClinVar aggregate classification (germline): Conflicting classifications of pathogenicity. Review status: criteria provided, conflicting classifications (1 of 4 stars). 2 submissions from 2 submitters: Uncertain significance (1); Likely benign (1). Last evaluated 2024-08-22.

Allele frequency attached by ClinVar (database versions not stated): TOPMed 0.00004; ExAC 0.00013; gnomAD 0.00020 and 0.00021.
gnomAD v4.1: 150 of 1,513,382 alleles (0.0099%); highest among the groups gnomAD compares: Non-Finnish European, 0.004%; no homozygotes.

Submissions (2):

Blueprint Genetics
Classification: Likely benign. Last evaluated: 2024-08-22. Review status: criteria provided, single submitter. Criteria: ACMG Guidelines, 2015. Collection method: clinical testing. Allele origin: germline.

Labcorp Genetics (formerly Invitae), Labcorp
Classification: Uncertain significance. Last evaluated: 2022-08-23. Review status: criteria provided, single submitter. Criteria: Invitae Variant Classification Sherloc (09022015). Collection method: clinical testing. Allele origin: germline.
Comment: This sequence change replaces alanine, which is neutral and non-polar, with threonine, which is neutral and polar, at codon 2054 of the SPEG protein (p.Ala2054Thr). This variant is present in population databases (rs779789801, gnomAD 0.2%). This variant has not been reported in the literature in individuals affected with SPEG-related conditions. ClinVar contains an entry for this variant (Variation ID: 1426732). Algorithms developed to predict the effect of missense changes on protein structure and function output the following: SIFT: "Tolerated"; PolyPhen-2: "Benign"; Align-GVGD: "Class C0". The threonine amino acid residue is found in multiple mammalian species, which suggests that this missense change does not adversely affect protein function. In summary, the available evidence is currently insufficient to determine the role of this variant in disease. Therefore, it has been classified as a Variant of Uncertain Significance.

NM_005876.5(SPEG):c.6160G>A (p.Ala2054Thr)

Genes: ASIC4-AS1 (ASIC4 antisense RNA 1; minus strand), SPEG (striated muscle enriched protein kinase; plus strand). Cytogenetic location: 2q35.
Variant type: single nucleotide variant.
Coding change: c.6160G>A on transcript NM_005876.5 (MANE Select); coding-DNA position 6160, G replaced by A.
Protein change: p.Ala2054Thr; replaces alanine 2054 with threonine.
Molecular consequence: missense variant.
Genome position (GRCh38, 1-based): chr2:219,483,623, G>A. VCF-style: chr2-219483623-G-A. GRCh37 (hg19) VCF-style: chr2-220348345-G-A.
Other names: short protein forms A2054T.
Identifiers: ClinVar variation 1426732 (VCV001426732.6), dbSNP rs779789801, ClinGen allele CA2127001.